The following is an entry in ClinVar:

NM_213720.3(CHCHD10):c.331G>C (p.Asp111His)

Gene: CHCHD10 (coiled-coil-helix-coiled-coil-helix domain containing 10; minus strand). Cytogenetic location: 22q11.23.
Variant type: single nucleotide variant.
Coding change: c.331G>C on transcript NM_213720.3 (MANE Select); coding-DNA position 331, G replaced by C.
Protein change: p.Asp111His; replaces aspartic acid 111 with histidine.
Molecular consequence: missense variant. On other transcripts: non-coding transcript variant (2).
Genome position (GRCh38, 1-based): chr22:23,766,206, C>G on the plus strand (G>C on the coding strand, the complement: CHCHD10 is on the minus strand). VCF-style: chr22-23766206-C-G. GRCh37 (hg19) VCF-style: chr22-24108393-C-G.
Other names: c.352G>C, p.Asp118His (NM_001301339.2); short protein forms D111H, D118H.
Identifiers: ClinVar variation 4818920 (VCV004818920.1).

ClinVar aggregate classification (germline): Uncertain significance (1 of 4 stars; one submission).

Submission:

GeneDx
Classification: Uncertain significance. Last evaluated: 2025-09-26. Review status: criteria provided, single submitter. Criteria: GeneDx Variant Classification Process June 2021. Collection method: clinical testing. Allele origin: germline. Affected: yes.
Comment: Not observed at significant frequency in large population cohorts (gnomAD); In silico analysis supports that this missense variant has a deleterious effect on protein structure/function; Has not been previously published as pathogenic or benign to our knowledge